The following is an entry in ClinVar:

NM_005585.5(SMAD6):c.210C>G (p.Asp70Glu)

Gene: SMAD6 (SMAD family member 6; plus strand). Cytogenetic location: 15q22.31.
Variant type: single nucleotide variant.
Coding change: c.210C>G on transcript NM_005585.5 (MANE Select); coding-DNA position 210, C replaced by G.
Protein change: p.Asp70Glu; replaces aspartic acid 70 with glutamic acid.
Molecular consequence: missense variant. On other transcripts: non-coding transcript variant (1).
Genome position (GRCh38, 1-based): chr15:66,703,468, C>G. VCF-style: chr15-66703468-C-G. GRCh37 (hg19) VCF-style: chr15-66995806-C-G.
Other names: short protein forms D70E.
Identifiers: ClinVar variation 3320638 (VCV003320638.2).
Genomic context (GRCh38, chr15:66,703,468, plus strand): 5'-AGAGGGCGGAGGCTGCGGCCGCTCCGAAGTCCGCCCGGTAGCCCCGCGGCGGCCCCGGGA[C>G]GCAGTGGGACAGCGAGGCGCCCAGGGCGCGGGGAGGCGCCGGCGCGCAGGGGGCCCCCCG-3'
Protein context (NP_005576.3, residues 60-80): VRPVAPRRPR[Asp70Glu]AVGQRGAQGA

ClinVar aggregate classification (germline): Uncertain significance. Review status: criteria provided, multiple submitters, no conflicts (2 of 4 stars). 2 submissions from 2 submitters: Uncertain significance (2). Last evaluated 2025-08-25.

Conditions:
Inborn genetic diseases. Identifiers: MedGen C0950123, MeSH D030342.
Aortic valve disease 2 (AOVD2). Identifiers: MedGen C3542024, MONDO:0013902, OMIM 614823.

gnomAD v4.1: 3 of 1,248,720 alleles (0.00024%); highest among the groups gnomAD compares: South Asian, 0.0075%; no homozygotes.

Submissions (2):

Labcorp Genetics (formerly Invitae), Labcorp
Classification: Uncertain significance for Aortic valve disease 2. Last evaluated: 2025-08-25. Review status: criteria provided, single submitter. Criteria: Invitae Variant Classification Sherloc (09022015). Collection method: clinical testing. Allele origin: germline.
Comment: This sequence change replaces aspartic acid, which is acidic and polar, with glutamic acid, which is acidic and polar, at codon 70 of the SMAD6 protein (p.Asp70Glu). This variant is not present in population databases (gnomAD no frequency). This variant has not been reported in the literature in individuals affected with SMAD6-related conditions. ClinVar contains an entry for this variant (Variation ID: 3320638). An algorithm developed to predict the effect of missense changes on protein structure and function outputs the following: PolyPhen-2: "Benign". The glutamic acid amino acid residue is found in multiple mammalian species, which suggests that this missense change does not adversely affect protein function. In summary, the available evidence is currently insufficient to determine the role of this variant in disease. Therefore, it has been classified as a Variant of Uncertain Significance.

Ambry Genetics
Classification: Uncertain significance for Inborn genetic diseases. Last evaluated: 2024-06-22. Review status: criteria provided, single submitter. Criteria: Ambry Variant Classification Scheme 2023. Collection method: clinical testing. Allele origin: germline.
Comment: The p.D70E variant (also known as c.210C>G), located in coding exon 1 of the SMAD6 gene, results from a C to G substitution at nucleotide position 210. The aspartic acid at codon 70 is replaced by glutamic acid, an amino acid with highly similar properties. This amino acid position is conserved. In addition, this alteration is predicted to be tolerated by in silico analysis. Based on the available evidence, the clinical significance of this variant remains unclear.